The following is an entry in ClinVar:

ClinVar aggregate classification (germline): Benign. Review status: criteria provided, multiple submitters, no conflicts (2 of 4 stars). 2 submissions from 2 submitters: Benign (2). Last evaluated 2018-06-14.

Allele frequency attached by ClinVar (database versions not stated): 1000 Genomes Project 0.32967; 1000 Genomes Project 30x 0.33323; TOPMed 0.43159; gnomAD 0.44173 and 0.44900.
gnomAD v4.1: 66,927 of 151,662 alleles (44%); highest among the groups gnomAD compares: Non-Finnish European, 51%; 15,569 homozygotes.

Submissions (2):

GeneDx
Classification: Benign. Last evaluated: 2018-06-14. Review status: criteria provided, single submitter. Criteria: GeneDx Variant Classification (06012015). Collection method: clinical testing. Allele origin: germline. Affected: yes.
Comment: This variant is considered likely benign or benign based on one or more of the following criteria: it is a conservative change, it occurs at a poorly conserved position in the protein, it is predicted to be benign by multiple in silico algorithms, and/or has population frequency not consistent with disease.

Breakthrough Genomics
Classification: Benign. Review status: criteria provided, single submitter. Criteria: ACMG Guidelines, 2015. Collection method: not provided. Allele origin: germline. Inheritance: Autosomal recessive inheritance. Affected: yes.

NM_033109.5(PNPT1):c.222+159A>G

Gene: PNPT1 (polyribonucleotide nucleotidyltransferase 1; minus strand). Cytogenetic location: 2p16.1.
Variant type: single nucleotide variant.
Coding change: c.222+159A>G on transcript NM_033109.5 (MANE Select); 159 bases into the intron after coding-DNA position 222, A replaced by G.
Molecular consequence: intron variant.
Genome position (GRCh38, 1-based): chr2:55,687,486, T>C on the plus strand (A>G on the coding strand, the complement: PNPT1 is on the minus strand). VCF-style: chr2-55687486-T-C. GRCh37 (hg19) VCF-style: chr2-55914621-T-C.
Identifiers: ClinVar variation 684377 (VCV000684377.2), dbSNP rs809732, ClinGen allele CA11329912.